The following is an entry in ClinVar:

ClinVar aggregate classification (germline): Likely benign. Review status: reviewed by expert panel (3 of 4 stars). 3 submissions from 3 submitters: Likely benign (1). 2 of the submissions do not count toward it. Last evaluated 2025-02-25.

Conditions:
RUNX1-related disorder. Also called: RUNX1-related condition.
Hereditary thrombocytopenia and hematologic cancer predisposition syndrome. Identifiers: Orphanet 71290, MedGen CN281654, MONDO:0011071.

Submissions (3):

ClinGen Myeloid Malignancy Variant Curation Expert Panel
Classification: Likely benign for Hereditary thrombocytopenia and hematologic cancer predisposition syndrome. Last evaluated: 2025-02-25. Review status: reviewed by expert panel. Criteria: ClinGen MyeloMalig ACMG Specifications v2. Collection method: curation. Allele origin: germline. Inheritance: Autosomal dominant inheritance.
Comment: NM_001754.5(RUNX1):c.1272G>T (p.Ser424=) is a synonymous variant has a SpliceAI score ≤ 0.20 (0.0) (BP4). This variant has a SpliceAI score ≤ 0.20 (0.0) and evolutionary conservation algorithms predict the site as not being conserved (PhyloP score ≤ 2.0 (-1.97) (BP7). This variant is completely absent from all population databases with at least 20x coverage for RUNX1 (PM2_Supporting). In summary, this variant meets criteria to be classified as likely benign. ACMG/AMP criteria applied, as specified by the Myeloid Malignancy Variant Curation Expert Panel for RUNX1: PM2_Supporting, BP4, BP7

CeGaT Center for Human Genetics Tuebingen
Classification: Likely benign. Last evaluated: 2025-06-01. Review status: criteria provided, single submitter. Criteria: CeGaT Center For Human Genetics Tuebingen Variant Classification Criteria Version 2. Collection method: clinical testing. Allele origin: germline. Affected: yes. Observed: 1 variant allele. Not counted in ClinVar's aggregate classification.
Comment: RUNX1: PM2:Supporting, BP4, BP7

PreventionGenetics, part of Exact Sciences
Classification: Likely benign for RUNX1-related condition. Last evaluated: 2024-03-18. Review status: no assertion criteria provided. Collection method: clinical testing. Allele origin: germline. Not counted in ClinVar's aggregate classification.
Comment: This variant is classified as likely benign based on ACMG/AMP sequence variant interpretation guidelines (Richards et al. 2015 PMID: 25741868, with internal and published modifications).

NM_001754.5(RUNX1):c.1272G>T (p.Ser424=)

Gene: RUNX1 (RUNX family transcription factor 1; minus strand). Cytogenetic location: 21q22.12.
Variant type: single nucleotide variant.
Coding change: c.1272G>T on transcript NM_001754.5 (MANE Select); coding-DNA position 1272, G replaced by T.
Protein change: p.Ser424=; no amino-acid change (serine 424 retained).
Molecular consequence: synonymous variant.
Genome position (GRCh38, 1-based): chr21:34,792,306, C>A on the plus strand (G>T on the coding strand, the complement: RUNX1 is on the minus strand). VCF-style: chr21-34792306-C-A. GRCh37 (hg19) VCF-style: chr21-36164603-C-A.
Other names: NM_001754.5(RUNX1):c.1272G>T; p.Ser424=; c.1191G>T, p.Ser397= (NM_001001890.3).
Identifiers: ClinVar variation 3348903 (VCV003348903.10).